The following is an entry in ClinVar:

NM_001197104.2(KMT2A):c.8229T>A (p.Ile2743=)

Gene: KMT2A (lysine methyltransferase 2A; plus strand). Cytogenetic location: 11q23.3.
Variant type: single nucleotide variant.
Coding change: c.8229T>A on transcript NM_001197104.2 (MANE Select); coding-DNA position 8229, T replaced by A.
Protein change: p.Ile2743=; no amino-acid change (isoleucine 2743 retained).
Molecular consequence: synonymous variant.
Genome position (GRCh38, 1-based): chr11:118,504,121, T>A. VCF-style: chr11-118504121-T-A. GRCh37 (hg19) VCF-style: chr11-118374836-T-A.
Other names: c.8220T>A, p.Ile2740= (NM_005933.4).
Identifiers: ClinVar variation 1640019 (VCV001640019.32), dbSNP rs781967523, ClinGen allele CA6304473.

ClinVar aggregate classification (germline): Likely benign. Review status: criteria provided, multiple submitters, no conflicts (2 of 4 stars). 2 submissions from 2 submitters: Likely benign (2). Last evaluated 2024-11-06.

Allele frequency attached by ClinVar (database versions not stated): gnomAD 0.00001 and 0.00002; TOPMed 0.00001; ExAC 0.00002; gnomAD exomes 0.00003.
gnomAD v4.1: 53 of 1,613,972 alleles (0.0033%); highest among the groups gnomAD compares: South Asian, 0.041%; 2 homozygotes.

Submissions (2):

Labcorp Genetics (formerly Invitae), Labcorp
Classification: Likely benign. Last evaluated: 2024-11-06. Review status: criteria provided, single submitter. Criteria: Invitae Variant Classification Sherloc (09022015). Collection method: clinical testing. Allele origin: germline.

CeGaT Center for Human Genetics Tuebingen
Classification: Likely benign. Last evaluated: 2023-11-01. Review status: criteria provided, single submitter. Criteria: CeGaT Center For Human Genetics Tuebingen Variant Classification Criteria Version 2. Collection method: clinical testing. Allele origin: germline. Affected: yes. Observed: 2 variant alleles.
Comment: KMT2A: BP4, BP7